The following is an entry in ClinVar:

NM_001278064.2(GRM1):c.3105G>C (p.Gln1035His)

Gene: GRM1 (glutamate metabotropic receptor 1; plus strand). Cytogenetic location: 6q24.3.
Variant type: single nucleotide variant.
Coding change: c.3105G>C on transcript NM_001278064.2 (MANE Select); coding-DNA position 3105, G replaced by C.
Protein change: p.Gln1035His; replaces glutamine 1035 with histidine.
Molecular consequence: missense variant. On other transcripts: 3 prime UTR variant (3).
Genome position (GRCh38, 1-based): chr6:146,434,316, G>C. VCF-style: chr6-146434316-G-C. GRCh37 (hg19) VCF-style: chr6-146755452-G-C.
Other names: c.*469G>C (NM_001278065.2); c.*434G>C (NM_001278066.1); c.*343G>C (NM_001278067.1); short protein forms Q1035H.
Identifiers: ClinVar variation 2656975 (VCV002656975.24), dbSNP rs368036976, ClinGen allele CA149303133.

ClinVar aggregate classification (germline): Uncertain significance (1 of 4 stars; one submission).

gnomAD v4.1: 1 of 1,610,578 alleles (0.000062%); no homozygotes.

Submission:

CeGaT Center for Human Genetics Tuebingen
Classification: Uncertain significance. Last evaluated: 2023-01-01. Review status: criteria provided, single submitter. Criteria: CeGaT Center For Human Genetics Tuebingen Variant Classification Criteria Version 2. Collection method: clinical testing. Allele origin: germline. Affected: yes. Observed: 1 variant allele.
Comment: GRM1: PM2, BP4